The following is an entry in ClinVar:

NC_012920.1(MT-TD):m.7566G>A

Gene: MT-TD (mitochondrially encoded tRNA aspartic acid; plus strand).
Variant type: single nucleotide variant.
Genome position: chrM-7566-G-A.
Identifiers: ClinVar variation 690050 (VCV000690050.2), dbSNP rs1603221016, ClinGen allele CA913177431.

ClinVar aggregate classification (germline): Uncertain significance. Review status: reviewed by expert panel (3 of 4 stars). 3 submissions from 3 submitters: Uncertain significance (1). 2 of the submissions do not count toward it. Last evaluated 2024-10-28.

Conditions:
Mitochondrial disease. Also called: Mitochondrial disorder; Mitochondrial disorders. Identifiers: Orphanet 68380, MedGen C0751651, MeSH D028361, MONDO:0044970.
MELAS syndrome (MELAS). Also called: Juvenile myopathy, encephalopathy, lactic acidosis, stroke. Identifiers: Orphanet 550, MedGen C0162671, MONDO:0010789, OMIM 540000.

Submissions (3):

ClinGen Mitochondrial Disease Nuclear and Mitochondrial  Variant Curation Expert Panel, ClinGen
Classification: Uncertain significance for Mitochondrial disease. Last evaluated: 2024-10-28. Review status: reviewed by expert panel. Criteria: clingen mito disease acmg specifications v1-1. Collection method: curation. Allele origin: germline. Inheritance: Mitochondrial inheritance.
Comment: The m.7566G>A variant in MT-TD has been reported in one individual with primary mitochondrial disease in the medical literature however this report was part of a large cohort and clinical details were not provided precluding consideration of this case for this curation (PMID: 31965079). This variant is absent in MITOMAP, there is one homoplasmic occurrence and two heteroplasmic occurrences in gnomAD V3.1.2, and there is one heteroplasmic occurrence in the Helix dataset. Although there are several occurrences, the frequency is still low (PM2_supporting). In silico predictors are conflicting as the computational predictor MitoTIP suggests this variant is pathogenic (65.6 percentile) but HmtVAR predicts it to be neutral with a score of 0.05. There are no cybrids, single fiber studies, or other functional assays reported on this variant. In summary, this variant meets criteria to be classified as uncertain significance for primary mitochondrial disease inherited in a mitochondrial manner. This classification was approved by the NICHD/NINDS U24 ClinGen Mitochondrial Disease Variant Curation Expert Panel on October 28, 2024. Mitochondrial DNA-specific ACMG/AMP criteria applied (PMID: 32906214): PM2_supporting.

Mendelics
Classification: Pathogenic for Mitochondrial disease. Last evaluated: 2022-05-04. Review status: criteria provided, single submitter. Criteria: Mendelics Assertion Criteria 2019. Collection method: clinical testing. Allele origin: germline. Not counted in ClinVar's aggregate classification.

Wong Mito Lab, Molecular and Human Genetics, Baylor College of Medicine
Classification: Likely pathogenic for MELAS syndrome. Last evaluated: 2019-07-12. Review status: criteria provided, single submitter. Criteria: Modified ACMG Guidelines (Unpublished). Collection method: clinical testing. Allele origin: germline. Not counted in ClinVar's aggregate classification.
Comment: The NC_012920.1:m.7566G>A variant in MT-TD gene is interpreted to be a Likely Pathogenic variant based on the modified ACMG guidelines (unpublished). This variant meets the following evidence codes reported in the guidelines: PM2, PM9, PP3, PP6

Literature cited by the submitters: PubMed 31965079 (cited by Wong Mito Lab, Molecular and Human Genetics, Baylor College of Medicine).